The following is an entry in ClinVar:

ClinVar aggregate classification (germline): Uncertain significance (1 of 4 stars; one submission).

Conditions:
Baller-Gerold syndrome (BGS). Also called: CRANIOSYNOSTOSIS WITH RADIAL DEFECTS. Identifiers: Orphanet 1225, MedGen C0265308, MONDO:0009039, OMIM 218600.

Submission:

Labcorp Genetics (formerly Invitae), Labcorp
Classification: Uncertain significance for Baller-Gerold syndrome. Last evaluated: 2023-10-11. Review status: criteria provided, single submitter. Criteria: Invitae Variant Classification Sherloc (09022015). Collection method: clinical testing. Allele origin: germline.
Comment: This variant, c.958_960dup, results in the insertion of 1 amino acid(s) of the RECQL4 protein (p.His320dup), but otherwise preserves the integrity of the reading frame. This variant is not present in population databases (gnomAD no frequency). This variant has not been reported in the literature in individuals affected with RECQL4-related conditions. ClinVar contains an entry for this variant (Variation ID: 2029184). Experimental studies and prediction algorithms are not available or were not evaluated, and the functional significance of this variant is currently unknown. In summary, the available evidence is currently insufficient to determine the role of this variant in disease. Therefore, it has been classified as a Variant of Uncertain Significance.

NM_004260.4(RECQL4):c.958_960dup (p.His320_Gly321insHis)

Gene: RECQL4 (RecQ like helicase 4; minus strand). Cytogenetic location: 8q24.3.
Variant type: Duplication.
Coding change: c.958_960dup on transcript NM_004260.4 (MANE Select); coding-DNA positions 958 to 960, 3 bases duplicated (CAC; older notation c.958_960dupCAC).
Protein change: p.His320_Gly321insHis.
Molecular consequence: inframe insertion. On other transcripts: inframe indel (7).
Genome position (GRCh38, 1-based): chr8:144,516,159-144,516,161, GTG duplicated on the plus strand (CAC on the coding strand, the reverse complement: RECQL4 is on the minus strand); duplicating any 3 consecutive bases within chr8:144,516,159-144,516,163 gives the same sequence; the c. name uses the placement nearest the transcript's 3' end. VCF-style (leftmost placement, unchanged base first): chr8-144516158-C-CGTG. GRCh37 (hg19) VCF-style: chr8-145741542-C-CGTG.
Other names: c.-116_-114dup (NM_001413038.1, NM_001413040.1, NM_001413042.1 and 7 more transcripts); c.956_958dup, p.His320_Gly321insHis (NM_001413039.1, NM_001413018.1, NM_001413019.1 and 2 more transcripts); c.-178_-176dup (NM_001413041.1, NM_001413027.1, NM_001413030.1 and 2 more transcripts); c.-385_-383dup (NM_001413043.1); c.827_829dup, p.His277_Gly278insHis (NM_001413025.1); c.605_607dup, p.His203_Gly204insHis (NM_001413029.1).
Identifiers: ClinVar variation 2029184 (VCV002029184.4), dbSNP rs2538084661, ClinGen allele CA2580078715.